The following is an entry in ClinVar:

ClinVar aggregate classification (germline): Uncertain significance (1 of 4 stars; one submission).

Allele frequency attached by ClinVar (database versions not stated): ExAC 0.00001.
gnomAD v4.1: 7 of 1,613,468 alleles (0.00043%); highest among the groups gnomAD compares: South Asian, 0.0011%; no homozygotes.

Submission:

Labcorp Genetics (formerly Invitae), Labcorp
Classification: Uncertain significance. Last evaluated: 2023-03-02. Review status: criteria provided, single submitter. Criteria: Invitae Variant Classification Sherloc (09022015). Collection method: clinical testing. Allele origin: germline.
Comment: This sequence change replaces arginine, which is basic and polar, with histidine, which is basic and polar, at codon 469 of the PPP1R12A protein (p.Arg469His). This variant is present in population databases (rs771696537, gnomAD 0.003%). This variant has not been reported in the literature in individuals affected with PPP1R12A-related conditions. An algorithm developed to predict the effect of missense changes on protein structure and function (PolyPhen-2) suggests that this variant is likely to be disruptive. In summary, the available evidence is currently insufficient to determine the role of this variant in disease. Therefore, it has been classified as a Variant of Uncertain Significance.

NM_002480.3(PPP1R12A):c.1406G>A (p.Arg469His)

Gene: PPP1R12A (protein phosphatase 1 regulatory subunit 12A; minus strand). Cytogenetic location: 12q21.2.
Variant type: single nucleotide variant.
Coding change: c.1406G>A on transcript NM_002480.3 (MANE Select); coding-DNA position 1406, G replaced by A.
Protein change: p.Arg469His; replaces arginine 469 with histidine.
Molecular consequence: missense variant.
Genome position (GRCh38, 1-based): chr12:79,809,844, C>T on the plus strand (G>A on the coding strand, the complement: PPP1R12A is on the minus strand). VCF-style: chr12-79809844-C-T. GRCh37 (hg19) VCF-style: chr12-80203624-C-T.
Other names: c.1406G>A, p.Arg469His (NM_001143885.2, NM_001244990.2, NM_001244992.1); c.1145G>A, p.Arg382His (NM_001143886.2); short protein forms R382H, R469H.
Identifiers: ClinVar variation 2842233 (VCV002842233.3), dbSNP rs771696537, ClinGen allele CA6699687.